The following is an entry in ClinVar:

NM_000215.4(JAK3):c.2324G>A (p.Arg775His)

Gene: JAK3 (Janus kinase 3; minus strand). Cytogenetic location: 19p13.11.
Variant type: single nucleotide variant.
Coding change: c.2324G>A on transcript NM_000215.4 (MANE Select); coding-DNA position 2324, G replaced by A.
Protein change: p.Arg775His; replaces arginine 775 with histidine.
Molecular consequence: missense variant.
Genome position (GRCh38, 1-based): chr19:17,834,597, C>T on the plus strand (G>A on the coding strand, the complement: JAK3 is on the minus strand). VCF-style: chr19-17834597-C-T. GRCh37 (hg19) VCF-style: chr19-17945406-C-T.
Other names: short protein forms R775H.
Identifiers: ClinVar variation 1339536 (VCV001339536.9), dbSNP rs1251299279, ClinGen allele CA404767297.
Genomic context (GRCh38, chr19:17,834,597, plus strand): 5'-CAGCCCTCCCCACCCAACCCGTCCCAGCGGGCACCTGAAGAGATGAGGCTATTGAGGTCA[C>T]GAATGACGGCTCGGAAGGAGGGCCTCTGGACCGGCTCATAGGCCATGCACTGTTGAATCA-3'
Protein context (NP_000206.2, residues 765-785): VQRPSFRAVI[Arg775His]DLNSLISSDY

ClinVar aggregate classification (germline): Pathogenic. Review status: criteria provided, multiple submitters, no conflicts (2 of 4 stars). 2 submissions from 2 submitters: Pathogenic (2). Last evaluated 2023-12-07.

Conditions:
T-B+ severe combined immunodeficiency due to JAK3 deficiency. Also called: SCID, autosomal recessive, T-negative/B-positive type; SCID, T CELL-NEGATIVE, B CELL-POSITIVE, NK CELL-NEGATIVE. Identifiers: Orphanet 35078, MedGen C1833275, MONDO:0010938, OMIM 600802.

Allele frequency attached by ClinVar (database versions not stated): gnomAD exomes below 0.00001; gnomAD 0.00001.
gnomAD v4.1: 3 of 1,612,302 alleles (0.00019%); highest among the groups gnomAD compares: Admixed American, 0.0017%; no homozygotes.

Submissions (2):

Labcorp Genetics (formerly Invitae), Labcorp
Classification: Pathogenic for T-B+ severe combined immunodeficiency due to JAK3 deficiency. Last evaluated: 2023-12-07. Review status: criteria provided, single submitter. Criteria: Invitae Variant Classification Sherloc (09022015). Collection method: clinical testing. Allele origin: germline.
Comment: This sequence change replaces arginine, which is basic and polar, with histidine, which is basic and polar, at codon 775 of the JAK3 protein (p.Arg775His). This variant is present in population databases (no rsID available, gnomAD 0.003%). This missense change has been observed in individual(s) with severe combined immunodeficiency (PMID: 28916186, 31440277, 32445296; Invitae). ClinVar contains an entry for this variant (Variation ID: 1339536). Advanced modeling of protein sequence and biophysical properties (such as structural, functional, and spatial information, amino acid conservation, physicochemical variation, residue mobility, and thermodynamic stability) performed at Invitae indicates that this missense variant is expected to disrupt JAK3 protein function with a positive predictive value of 80%. For these reasons, this variant has been classified as Pathogenic.

Genomics Facility, Ludwig-Maximilians-Universität München
Classification: Pathogenic for T-B+ severe combined immunodeficiency due to JAK3 deficiency. Last evaluated: 2021-12-28. Review status: criteria provided, single submitter. Criteria: ACMG Guidelines, 2015. Collection method: clinical testing. Allele origin: unknown. Inheritance: Autosomal recessive inheritance. Affected: yes.

Literature cited by the submitters: PubMed 28916186 (cited by Labcorp Genetics (formerly Invitae), Labcorp and Genomics Facility, Ludwig-Maximilians-Universität München); PubMed 31440277 (cited by Labcorp Genetics (formerly Invitae), Labcorp); PubMed 32445296 (cited by Labcorp Genetics (formerly Invitae), Labcorp).